The following is an entry in ClinVar:

ClinVar aggregate classification (germline): Pathogenic (1 of 4 stars; one submission).

Conditions:
Diabetes insipidus, nephrogenic, X-linked. Also called: Nephrogenic Diabetes Insipidus, Type I. Identifiers: Orphanet 223, MedGen C1563705, MONDO:0010581, OMIM 304800.

Submission:

Nephrology, University of Crete, University General Hospital of Heraklion
Classification: Pathogenic for Diabetes insipidus, nephrogenic, X-linked. Last evaluated: 2026-04-01. Review status: criteria provided, single submitter. Criteria: ACMG Guidelines, 2015. Collection method: clinical testing. Allele origin: unknown. Affected: yes.
Comment: Identified in a family of 4 generations with known Nephrogenic Diabetes Insipitus phenotype, severe disease in males and symptomatic females.

NM_000054.7(AVPR2):c.964C>T (p.Pro322Ser)

Gene: AVPR2 (arginine vasopressin receptor 2; plus strand). Cytogenetic location: Xq28.
Variant type: single nucleotide variant.
Coding change: c.964C>T on transcript NM_000054.7 (MANE Select); coding-DNA position 964, C replaced by T.
Protein change: p.Pro322Ser; replaces proline 322 with serine.
Molecular consequence: missense variant. On other transcripts: 3 prime UTR variant (1), non-coding transcript variant (1).
Genome position (GRCh38, 1-based): chrX:153,906,576, C>T. VCF-style: chrX-153906576-C-T. GRCh37 (hg19) VCF-style: chrX-153172030-C-T.
Other names: c.*140C>T (NM_001146151.3); short protein forms P322S.
Identifiers: ClinVar variation 4819422 (VCV004819422.1).